The following is an entry in ClinVar:

NM_002110.5(HCK):c.367C>T (p.Arg123Trp)

Gene: HCK (HCK proto-oncogene, Src family tyrosine kinase; plus strand). Cytogenetic location: 20q11.21.
Variant type: single nucleotide variant.
Coding change: c.367C>T on transcript NM_002110.5 (MANE Select); coding-DNA position 367, C replaced by T.
Protein change: p.Arg123Trp; replaces arginine 123 with tryptophan.
Molecular consequence: missense variant.
Genome position (GRCh38, 1-based): chr20:32,074,660, C>T. VCF-style: chr20-32074660-C-T. GRCh37 (hg19) VCF-style: chr20-30662463-C-T.
Other names: c.304C>T, p.Arg102Trp (NM_001172129.3, NM_001172133.3); c.364C>T, p.Arg122Trp (NM_001172130.3); c.301C>T, p.Arg101Trp (NM_001172131.3); c.307C>T, p.Arg103Trp (NM_001172132.3); short protein forms R103W, R122W, R123W, R101W, R102W.
Identifiers: ClinVar variation 4675105 (VCV004675105.2).
Genomic context (GRCh38, chr20:32,074,660, plus strand): 5'-CTTTACTCCCTCATGTCCCTCAGATCCGGGGAGTGGTGGAAGGCTCGATCCCTGGCCACC[C>T]GGAAGGAGGGCTACATCCCAAGCAACTATGTCGCCCGCGTTGACTCTCTGGAGACAGAGG-3'
Protein context (NP_002101.2, residues 113-133): EWWKARSLAT[Arg123Trp]KEGYIPSNYV

ClinVar aggregate classification (germline): Uncertain significance. Review status: criteria provided, multiple submitters, no conflicts (2 of 4 stars). 2 submissions from 2 submitters: Uncertain significance (2). Last evaluated 2026-02-10.

gnomAD v4.1: 25 of 1,613,874 alleles (0.0015%); highest among the groups gnomAD compares: Admixed American, 0.0033%; no homozygotes.

Submissions (2):

Women's Health and Genetics/Laboratory Corporation of America, LabCorp
Classification: Uncertain significance. Last evaluated: 2026-02-10. Review status: criteria provided, single submitter. Criteria: LabCorp Variant Classification Summary - May 2015. Collection method: clinical testing. Allele origin: germline.
Comment: Variant summary: HCK c.367C>T (p.Arg123Trp) results in a non-conservative amino acid change in the encoded protein sequence. Algorithms developed to predict the effect of missense changes on protein structure and function are either unavailable or do not agree on the potential impact of this missense change. The variant allele was found at a frequency of 8e-06 in 251440 control chromosomes. The available data on variant occurrences in the general population are insufficient to allow any conclusion about variant significance. To our knowledge, no occurrence of c.367C>T in individuals affected with HCK-related conditions and no experimental evidence demonstrating its impact on protein function have been reported. ClinVar contains an entry for this variant (Variation ID: 4675105). Based on the evidence outlined above, the variant was classified as uncertain significance.

Ambry Genetics
Classification: Uncertain significance. Last evaluated: 2025-09-27. Review status: criteria provided, single submitter. Criteria: Ambry Variant Classification Scheme 2023. Collection method: clinical testing. Allele origin: germline.